The following is an entry in ClinVar:

ClinVar aggregate classification (germline): Uncertain significance (1 of 4 stars; one submission).

Conditions:
Inborn genetic diseases. Identifiers: MedGen C0950123, MeSH D030342.

gnomAD v4.1: 8 of 1,614,058 alleles (0.0005%); highest among the groups gnomAD compares: South Asian, 0.0022%; no homozygotes.

Submission:

Ambry Genetics
Classification: Uncertain significance for Inborn genetic diseases. Last evaluated: 2025-02-02. Review status: criteria provided, single submitter. Criteria: Ambry Variant Classification Scheme 2023. Collection method: clinical testing. Allele origin: germline.
Comment: The p.D745N variant (also known as c.2233G>A), located in coding exon 19 of the KDM1A gene, results from a G to A substitution at nucleotide position 2233. The aspartic acid at codon 745 is replaced by asparagine, an amino acid with highly similar properties. This amino acid position is conserved. In addition, the in silico prediction for this alteration is inconclusive. Based on the available evidence, the clinical significance of this variant remains unclear.

NM_001009999.3(KDM1A):c.2233G>A (p.Asp745Asn)

Gene: KDM1A (lysine demethylase 1A; plus strand). Cytogenetic location: 1p36.12.
Variant type: single nucleotide variant.
Coding change: c.2233G>A on transcript NM_001009999.3 (MANE Select); coding-DNA position 2233, G replaced by A.
Protein change: p.Asp745Asn; replaces aspartic acid 745 with asparagine.
Molecular consequence: missense variant.
Genome position (GRCh38, 1-based): chr1:23,081,508, G>A. VCF-style: chr1-23081508-G-A. GRCh37 (hg19) VCF-style: chr1-23408001-G-A.
Other names: c.2179G>A, p.Asp727Asn (NM_001363654.2); c.2239G>A, p.Asp747Asn (NM_001410762.1); c.2161G>A, p.Asp721Asn (NM_001410763.1, NM_015013.4); short protein forms D721N, D727N, D745N, D747N.
Identifiers: ClinVar variation 3863306 (VCV003863306.1).